The following is an entry in ClinVar:

ClinVar aggregate classification (germline): Pathogenic/Likely pathogenic. Review status: criteria provided, multiple submitters, no conflicts (2 of 4 stars). 2 submissions from 2 submitters: Pathogenic (1); Likely pathogenic (1). Last evaluated 2024-10-14.

Conditions:
Aplastic anemia. Identifiers: Orphanet 182040, Orphanet 88, MedGen C0002874, MONDO:0015909, OMIM 609135, HP:0001915.
Familial hemophagocytic lymphohistiocytosis 2 (FHL2). Also called: PRF1-Related Familial Hemophagocytic Lymphohistiocytosis (PRF1-fHLH). Identifiers: Orphanet 540, MedGen C1863727, MONDO:0011337, OMIM 603553.

Submissions (2):

Labcorp Genetics (formerly Invitae), Labcorp
Classification: Pathogenic for Familial hemophagocytic lymphohistiocytosis 2. Last evaluated: 2024-10-14. Review status: criteria provided, single submitter. Criteria: Invitae Variant Classification Sherloc (09022015). Collection method: clinical testing. Allele origin: germline.
Comment: This sequence change affects a donor splice site in intron 2 of the PRF1 gene. While this variant is not anticipated to result in nonsense mediated decay, it likely alters RNA splicing and results in a disrupted protein product. This variant is not present in population databases (gnomAD no frequency). This variant has not been reported in the literature in individuals affected with PRF1-related conditions. Variants that disrupt the consensus splice site are a relatively common cause of aberrant splicing (PMID: 17576681, 9536098). Algorithms developed to predict the effect of sequence changes on RNA splicing suggest that this variant may disrupt the consensus splice site. This variant disrupts a region of the PRF1 protein in which other variant(s) (p.Gln446Pro) have been determined to be pathogenic (PMID: 25326637, 26450956). This suggests that this is a clinically significant region of the protein, and that variants that disrupt it are likely to be disease-causing. For these reasons, this variant has been classified as Pathogenic.

Baylor Genetics
Classification: Likely pathogenic for Aplastic anemia. Last evaluated: 2023-09-09. Review status: criteria provided, single submitter. Criteria: ACMG Guidelines, 2015. Collection method: clinical testing. Allele origin: unknown.

Literature cited by the submitters: PubMed 17576681 (cited by Labcorp Genetics (formerly Invitae), Labcorp); PubMed 9536098 (cited by Labcorp Genetics (formerly Invitae), Labcorp); PubMed 25326637 (cited by Labcorp Genetics (formerly Invitae), Labcorp); PubMed 26450956 (cited by Labcorp Genetics (formerly Invitae), Labcorp).

NM_001083116.3(PRF1):c.539+2T>A

Gene: PRF1 (perforin 1; minus strand). Cytogenetic location: 10q22.1.
Variant type: single nucleotide variant.
Coding change: c.539+2T>A on transcript NM_001083116.3 (MANE Select); the canonical splice donor site of the intron after coding-DNA position 539, T replaced by A.
Molecular consequence: splice donor variant.
Genome position (GRCh38, 1-based): chr10:70,600,362, A>T on the plus strand (T>A on the coding strand, the complement: PRF1 is on the minus strand). VCF-style: chr10-70600362-A-T. GRCh37 (hg19) VCF-style: chr10-72360118-A-T.
Other names: c.539+2T>A (NM_005041.6).
Identifiers: ClinVar variation 2678049 (VCV002678049.4), dbSNP rs765278464, ClinGen allele CA376959194.
Genomic context (GRCh38, chr10:70,600,362, plus strand): 5'-CCTAGACCACCCAGAGTTTCCCGCGCCTTTTCCAGCCCCCCACCCCTAGCCCCAGCTCTC[A>T]CCTGTAGAAGCGGCACTCCACCGTGTCAGTGCTGAAGCTGTACTGGTCCTGGTGGGTCTT-3'